The following is an entry in ClinVar:

ClinVar aggregate classification (germline): Uncertain significance (1 of 4 stars; one submission).

gnomAD v4.1: 1 of 1,613,752 alleles (0.000062%); highest among the groups gnomAD compares: Non-Finnish European, 0.000085%; no homozygotes.

Submission:

Women's Health and Genetics/Laboratory Corporation of America, LabCorp
Classification: Uncertain significance. Last evaluated: 2025-11-20. Review status: criteria provided, single submitter. Criteria: LabCorp Variant Classification Summary - May 2015. Collection method: clinical testing. Allele origin: germline.
Comment: Variant summary: ACAT1 c.302A>G (p.Gln101Arg) results in a conservative amino acid change in the encoded protein sequence. Algorithms developed to predict the effect of missense changes on protein structure and function are either unavailable or do not agree on the potential impact of this missense change. The variant was absent in 251464 control chromosomes (gnomAD). The available data on variant occurrences in the general population are insufficient to allow any conclusion about variant significance. c.302A>G has been observed in at least one individual affected with beta-ketothiolase deficiency (Zhang_2024). To our knowledge, no experimental evidence demonstrating an impact on protein function has been reported. The following publication have been ascertained in the context of this evaluation (PMID: 38154980). No submitters have cited clinical-significance assessments for this variant to ClinVar. Based on the evidence outlined above, the variant was classified as uncertain significance.

Literature cited by the submitters: PubMed 38154980.

NM_000019.4(ACAT1):c.302A>G (p.Gln101Arg)

Gene: ACAT1 (acetyl-CoA acetyltransferase 1; plus strand). Cytogenetic location: 11q22.3.
Variant type: single nucleotide variant.
Coding change: c.302A>G on transcript NM_000019.4 (MANE Select); coding-DNA position 302, A replaced by G.
Protein change: p.Gln101Arg; replaces glutamine 101 with arginine.
Molecular consequence: missense variant. On other transcripts: non-coding transcript variant (2), intron variant (1).
Genome position (GRCh38, 1-based): chr11:108,134,284, A>G. VCF-style: chr11-108134284-A-G. GRCh37 (hg19) VCF-style: chr11-108005011-A-G.
Other names: c.302A>G, p.Gln101Arg (NM_001386677.1); c.25A>G, p.Lys9Glu (NM_001386679.1); c.32A>G, p.Gln11Arg (NM_001386681.1, NM_001386682.1, NM_001386685.1 and 6 more transcripts); c.120+2330A>G (NM_001386678.1); short protein forms K9E, Q101R, Q11R.
Identifiers: ClinVar variation 4537285 (VCV004537285.1).
Genomic context (GRCh38, chr11:108,134,284, plus strand): 5'-TTCCAAAAGAAGAAGTGAAAGAAGCATACATGGGTAATGTTCTACAAGGAGGTGAAGGAC[A>G]AGCTCCTACAAGGCAGGCAGTATTGGGTGCAGGTACCTGGAAGACTTTTTTGCTTTTATA-3'
Protein context (NP_000010.1, residues 91-111): MGNVLQGGEG[Gln101Arg]APTRQAVLGA